The following is an entry in ClinVar:

ClinVar aggregate classification (germline): Uncertain significance (1 of 4 stars; one submission).

Submission:

Labcorp Genetics (formerly Invitae), Labcorp
Classification: Uncertain significance. Last evaluated: 2024-05-16. Review status: criteria provided, single submitter. Criteria: Invitae Variant Classification Sherloc (09022015). Collection method: clinical testing. Allele origin: germline.
Comment: This sequence change replaces isoleucine, which is neutral and non-polar, with valine, which is neutral and non-polar, at codon 518 of the TET2 protein (p.Ile518Val). This variant is not present in population databases (gnomAD no frequency). This variant has not been reported in the literature in individuals affected with TET2-related conditions. Algorithms developed to predict the effect of missense changes on protein structure and function output the following: SIFT: "Not Available"; PolyPhen-2: "Benign"; Align-GVGD: "Not Available". The valine amino acid residue is found in multiple mammalian species, which suggests that this missense change does not adversely affect protein function. In summary, the available evidence is currently insufficient to determine the role of this variant in disease. Therefore, it has been classified as a Variant of Uncertain Significance.

NM_001127208.3(TET2):c.1552A>G (p.Ile518Val)

Genes: TET2 (tet methylcytosine dioxygenase 2; plus strand), TET2-AS1 (TET2 antisense RNA 1; minus strand). Cytogenetic location: 4q24.
Variant type: single nucleotide variant.
Coding change: c.1552A>G on transcript NM_001127208.3 (MANE Select); coding-DNA position 1552, A replaced by G.
Protein change: p.Ile518Val; replaces isoleucine 518 with valine.
Molecular consequence: missense variant.
Genome position (GRCh38, 1-based): chr4:105,235,494, A>G. VCF-style: chr4-105235494-A-G. GRCh37 (hg19) VCF-style: chr4-106156651-A-G.
Other names: c.1552A>G, p.Ile518Val (NM_017628.4); short protein forms I518V.
Identifiers: ClinVar variation 3653670 (VCV003653670.2).